The following is an entry in ClinVar:

NC_000007.14:g.(?_150955988)_(150958464_?)del

Gene: KCNH2 (potassium voltage-gated channel subfamily H member 2; minus strand). Cytogenetic location: 7q36.1.
Variant type: Deletion.
Identifiers: ClinVar variation 583420 (VCV000583420.8).

ClinVar aggregate classification (germline): Pathogenic (1 of 4 stars; one submission).

Conditions:
Long QT syndrome (LQTS). Identifiers: MedGen C0023976, MeSH D008133, MONDO:0002442. Disease mechanism: loss of function. Inheritance: Various modes of inheritance.

Submission:

Labcorp Genetics (formerly Invitae), Labcorp
Classification: Pathogenic for Long QT syndrome. Last evaluated: 2018-08-21. Review status: criteria provided, single submitter. Criteria: Invitae Variant Classification Sherloc (09022015). Collection method: clinical testing. Allele origin: germline.
Comment: For these reasons, this variant has been classified as Pathogenic. Loss-of-function variants in KCNH2 are known to be pathogenic (PMID: 19862833). This variant has not been reported in the literature in individuals with KCNH2-related disease. This variant is a gross deletion of the genomic region encompassing the last 406 nucleotides of exon 4 and all of exon 5 of the KCNH2 gene, including the exon 5-intron 5 boundary (c.511_1128+1303del). This likely creates a premature translational stop signal and is expected to result in an absent or disrupted protein product.

Literature cited by the submitters: PubMed 19862833.